The following is an entry in ClinVar:

ClinVar aggregate classification (germline): Pathogenic (1 of 4 stars; one submission).

Submission:

Labcorp Genetics (formerly Invitae), Labcorp
Classification: Pathogenic. Last evaluated: 2022-10-03. Review status: criteria provided, single submitter. Criteria: Invitae Variant Classification Sherloc (09022015). Collection method: clinical testing. Allele origin: germline.
Comment: A gross deletion of the genomic region encompassing the full coding sequence of the PAFAH1B1 gene has been identified. Loss-of-function variants in PAFAH1B1 are known to be pathogenic (PMID: 1671808, 11115846, 14581661). The boundaries of this event are unknown as they extend beyond the assayed region for this gene and therefore may encompass additional genes. A similar copy number variant has been observed in individual(s) with lissencephaly spectrum (PMID: 31481326). For these reasons, this variant has been classified as Pathogenic.

Literature cited by the submitters: PubMed 1671808; PubMed 11115846; PubMed 14581661; PubMed 31481326.

NC_000017.10:g.(?_2541583)_(3819519_?)del

Genes: CLUH (clustered mitochondria homolog; minus strand), OR1A1 (olfactory receptor family 1 subfamily A member 1; plus strand), OR1A2 (olfactory receptor family 1 subfamily A member 2; plus strand), OR1D2 (olfactory receptor family 1 subfamily D member 2; minus strand), P2RX1 (purinergic receptor P2X 1; minus strand) and 23 more. Cytogenetic location: 17p13.3-13.2.
Variant type: Deletion.
Identifiers: ClinVar variation 1403973 (VCV001403973.4).